The following is an entry in ClinVar:

ClinVar aggregate classification (germline): Benign/Likely benign. Review status: criteria provided, multiple submitters, no conflicts (2 of 4 stars). 3 submissions from 3 submitters: Benign (1); Likely benign (1). 1 of the submissions does not count toward it. Last evaluated 2021-07-14.

Conditions:
BCKDHA-related disorder. Also called: BCKDHA-related condition.
Maple syrup urine disease (MSUD). Identifiers: Orphanet 511, MedGen C0024776, MeSH D008375, MONDO:0009563. Disease mechanism: loss of function.

Allele frequency attached by ClinVar (database versions not stated): gnomAD 0.10124 and 0.09943; gnomAD exomes 0.11495; 1000 Genomes Project 30x 0.08245; 1000 Genomes Project 0.08247; ESP Exome Variant Server 0.10718; TOPMed 0.09831; ExAC 0.11720.

Submissions (3):

Genome-Nilou Lab
Classification: Benign for Maple syrup urine disease type 1A. Last evaluated: 2021-07-14. Review status: criteria provided, single submitter. Criteria: ACMG Guidelines, 2015. Collection method: clinical testing. Allele origin: germline. Affected: no.

Breakthrough Genomics
Classification: Likely benign. Review status: criteria provided, single submitter. Criteria: ACMG Guidelines, 2015. Collection method: not provided. Allele origin: germline. Inheritance: Autosomal recessive inheritance. Affected: yes.

PreventionGenetics, part of Exact Sciences
Classification: Benign for BCKDHA-related condition. Last evaluated: 2021-07-21. Review status: no assertion criteria provided. Collection method: clinical testing. Allele origin: germline. Not counted in ClinVar's aggregate classification.
Comment: This variant is classified as benign based on ACMG/AMP sequence variant interpretation guidelines (Richards et al. 2015 PMID: 25741868, with internal and published modifications).

NM_000709.3(BCKDHA):c.-34T>G

Gene: BCKDHA (branched chain keto acid dehydrogenase E1 subunit alpha; plus strand). Cytogenetic location: 19q13.2.
Variant type: single nucleotide variant.
Coding change: c.-34T>G on transcript NM_000709.3; 34 bases upstream of the start codon, T replaced by G.
Genome position (GRCh38, 1-based): chr19:41,397,794, T>G. VCF-style: chr19-41397794-T-G. GRCh37 (hg19) VCF-style: chr19-41903699-T-G.
Identifiers: ClinVar variation 93334 (VCV000093334.14), dbSNP rs45500792, ClinGen allele CA285345.
Genomic context (GRCh38, chr19:41,397,794, plus strand): 5'-TCAGATGGTGCTGGAGTTTGCGTCAGGCACATAAAGAGGCAGCCCCGAATCTAGCCTACG[T>G]GAGTGCCGGACCGCTGAGTGGTTGTTAGCCAAGATGGCGGTAGCGATCGCTGCAGCGAGG-3'